The following is an entry in ClinVar:

ClinVar aggregate classification (germline): Conflicting classifications of pathogenicity. Review status: criteria provided, conflicting classifications (1 of 4 stars). 2 submissions from 2 submitters: Likely pathogenic (1); Uncertain significance (1). Last evaluated 2025-06-23.

Conditions:
Charcot-Marie-Tooth disease axonal type 2K (CMT2K). Also called: CHARCOT-MARIE-TOOTH DISEASE, AXONAL, AUTOSOMAL RECESSIVE, TYPE 2K; CHARCOT-MARIE-TOOTH NEUROPATHY, AXONAL, TYPE 2K; Charcot-Marie-Tooth disease type 2K. Identifiers: Orphanet 101097, Orphanet 99944, MedGen C1842983, MONDO:0011916, OMIM 607831.
Charcot-Marie-Tooth disease type 4A. Also called: Charcot-Marie-Tooth disease, demyelinating, autosomal recessive, type 4a. Identifiers: Orphanet 99948, MedGen C1859198, MONDO:0008961, OMIM 214400.

Allele frequency attached by ClinVar (database versions not stated): TOPMed below 0.00001.

Submissions (2):

Plataforma de Genómica Funcional - SJD, Institut De Recerca Sant Joan De Déu
Classification: Likely pathogenic for Charcot-Marie-Tooth disease axonal type 2K. Last evaluated: 2025-06-23. Review status: criteria provided, single submitter. Criteria: ACMG Guidelines, 2015. Collection method: clinical testing. Allele origin: biparental. Inheritance: Autosomal recessive inheritance. Affected: yes.
Comment: The c.200G>T variant (NM_018972.4) in GDAP1 is a missense variant predicted to cause an amino acid change of Trp by Leu at position 67 in the protein sequence (p.(Trp67Leu)). This variant is absent from population databases (gnomAD v2.1; PM2_supporting). This variant has been identified in a homozygous state in an individual with Charcot-Marie-Tooth disease, axonal, type 2K (PMID: 35177962, Internal lab contributor). The computational predictor CADD support a deleterious effect on the gene (CADD score 34; PP3_moderate). This variant resides within a region of GDAP1 that is defined as a exonic mutational hotspot (PM1_supporting). Functional studies performed in patient's fibroblasts conducted at the Neurogenetics and Molecular Medicine Laboratory showed aberrant protein function and mitochondrial morphology defects (PS3; PMID: 35177962). In summary, this variant meets the criteria to be classified as Likely Pathogenic based on the ACMG/AMP criteria applied.

Labcorp Genetics (formerly Invitae), Labcorp
Classification: Uncertain significance for Charcot-Marie-Tooth disease type 4A. Last evaluated: 2024-10-02. Review status: criteria provided, single submitter. Criteria: Invitae Variant Classification Sherloc (09022015). Collection method: clinical testing. Allele origin: germline.
Comment: This sequence change replaces tryptophan, which is neutral and slightly polar, with leucine, which is neutral and non-polar, at codon 67 of the GDAP1 protein (p.Trp67Leu). This variant is not present in population databases (gnomAD no frequency). This variant has not been reported in the literature in individuals affected with GDAP1-related conditions. ClinVar contains an entry for this variant (Variation ID: 1901969). An algorithm developed to predict the effect of missense changes on protein structure and function (PolyPhen-2) suggests that this variant is likely to be disruptive. In summary, the available evidence is currently insufficient to determine the role of this variant in disease. Therefore, it has been classified as a Variant of Uncertain Significance.

Literature cited by the submitters: PubMed 35177962 (cited by Plataforma de Genómica Funcional - SJD, Institut De Recerca Sant Joan De Déu).

NM_018972.4(GDAP1):c.200G>T (p.Trp67Leu)

Gene: GDAP1 (ganglioside induced differentiation associated protein 1; plus strand). Cytogenetic location: 8q21.11.
Variant type: single nucleotide variant.
Coding change: c.200G>T on transcript NM_018972.4 (MANE Select); coding-DNA position 200, G replaced by T.
Protein change: p.Trp67Leu; replaces tryptophan 67 with leucine.
Molecular consequence: missense variant. On other transcripts: 5 prime UTR variant (1), intron variant (2).
Genome position (GRCh38, 1-based): chr8:74,351,356, G>T. VCF-style: chr8-74351356-G-T. GRCh37 (hg19) VCF-style: chr8-75263591-G-T.
Other names: c.-5G>T (NM_001040875.4); c.200G>T, p.Trp67Leu (NM_001362930.2, NM_001362931.2); c.-18+35G>T (NM_001362929.2); c.-18+778G>T (NM_001362932.2); short protein forms W67L.
Identifiers: ClinVar variation 1901969 (VCV001901969.5), dbSNP rs1808863345, ClinGen allele CA371499419.